The following is an entry in ClinVar:

ClinVar aggregate classification (germline): Uncertain significance (1 of 4 stars; one submission).

gnomAD v4.1: 2 of 1,212,026 alleles (0.00017%); highest among the groups gnomAD compares: Non-Finnish European, 0.00022%; no homozygotes.

Submission:

GeneDx
Classification: Uncertain significance. Last evaluated: 2024-07-05. Review status: criteria provided, single submitter. Criteria: GeneDx Variant Classification Process June 2021. Collection method: clinical testing. Allele origin: germline. Affected: yes.
Comment: Not observed at significant frequency in large population cohorts (gnomAD); In silico analysis indicates that this missense variant does not alter protein structure/function; Has not been previously published as pathogenic or benign to our knowledge

NM_003410.4(ZFX):c.2410C>G (p.Leu804Val)

Gene: ZFX (zinc finger protein X-linked; plus strand). Cytogenetic location: Xp22.11.
Variant type: single nucleotide variant.
Coding change: c.2410C>G on transcript NM_003410.4 (MANE Select); coding-DNA position 2410, C replaced by G.
Protein change: p.Leu804Val; replaces leucine 804 with valine.
Molecular consequence: missense variant. On other transcripts: 3 prime UTR variant (1).
Genome position (GRCh38, 1-based): chrX:24,211,368, C>G. VCF-style: chrX-24211368-C-G. GRCh37 (hg19) VCF-style: chrX-24229485-C-G.
Other names: c.2410C>G, p.Leu804Val (NM_001178084.2, NM_001178085.1); c.1723C>G, p.Leu575Val (NM_001178086.2); c.*1170C>G (NM_001178095.2); c.2527C>G, p.Leu843Val (NM_001330327.2); short protein forms L804V, L843V, L575V.
Identifiers: ClinVar variation 3572623 (VCV003572623.1).